The following is an entry in ClinVar:

ClinVar aggregate classification (germline): Uncertain significance (1 of 4 stars; one submission).

gnomAD v4.1: 4 of 1,613,940 alleles (0.00025%); highest among the groups gnomAD compares: Admixed American, 0.005%; no homozygotes.

Submission:

Ambry Genetics
Classification: Uncertain significance. Last evaluated: 2025-01-27. Review status: criteria provided, single submitter. Criteria: Ambry Variant Classification Scheme 2023. Collection method: clinical testing. Allele origin: germline.
Comment: The p.D905Y variant (also known as c.2713G>T), located in coding exon 1 of the TET2 gene, results from a G to T substitution at nucleotide position 2713. The aspartic acid at codon 905 is replaced by tyrosine, an amino acid with highly dissimilar properties. This amino acid position is conserved. In addition, this alteration is predicted to be tolerated by in silico analysis. Based on the available evidence, the clinical significance of this variant remains unclear.

NM_001127208.3(TET2):c.2713G>T (p.Asp905Tyr)

Genes: TET2 (tet methylcytosine dioxygenase 2; plus strand), TET2-AS1 (TET2 antisense RNA 1; minus strand). Cytogenetic location: 4q24.
Variant type: single nucleotide variant.
Coding change: c.2713G>T on transcript NM_001127208.3 (MANE Select); coding-DNA position 2713, G replaced by T.
Protein change: p.Asp905Tyr; replaces aspartic acid 905 with tyrosine.
Molecular consequence: missense variant.
Genome position (GRCh38, 1-based): chr4:105,236,655, G>T. VCF-style: chr4-105236655-G-T. GRCh37 (hg19) VCF-style: chr4-106157812-G-T.
Other names: c.2713G>T, p.Asp905Tyr (NM_017628.4); short protein forms D905Y.
Identifiers: ClinVar variation 3806009 (VCV003806009.1).
Genomic context (GRCh38, chr4:105,236,655, plus strand): 5'-GAACAGGAGCAGAAGTCACAACAAGCTTCAGTTCTACAGGGATATAAAAATAGAAACCAA[G>T]ATATGTCTGGTCAACAAGCTGCGCAACTTGCTCAGCAAAGGTACTTGATACATAACCATG-3'
Protein context (NP_001120680.1, residues 895-915): VLQGYKNRNQ[Asp905Tyr]MSGQQAAQLA